The following is an entry in ClinVar:

ClinVar aggregate classification (germline): Uncertain significance (1 of 4 stars; one submission).

Submission:

Labcorp Genetics (formerly Invitae), Labcorp
Classification: Uncertain significance. Last evaluated: 2023-07-23. Review status: criteria provided, single submitter. Criteria: Invitae Variant Classification Sherloc (09022015). Collection method: clinical testing. Allele origin: germline.
Comment: In summary, the available evidence is currently insufficient to determine the role of this variant in disease. Therefore, it has been classified as a Variant of Uncertain Significance. Algorithms developed to predict the effect of missense changes on protein structure and function output the following: SIFT: "Not Available"; PolyPhen-2: "Benign"; Align-GVGD: "Not Available". The phenylalanine amino acid residue is found in multiple mammalian species, which suggests that this missense change does not adversely affect protein function. This variant has not been reported in the literature in individuals affected with REST-related conditions. This variant is not present in population databases (gnomAD no frequency). This sequence change replaces leucine, which is neutral and non-polar, with phenylalanine, which is neutral and non-polar, at codon 959 of the REST protein (p.Leu959Phe).

NM_005612.5(REST):c.2875C>T (p.Leu959Phe)

Gene: REST (RE1 silencing transcription factor; plus strand). Cytogenetic location: 4q12.
Variant type: single nucleotide variant.
Coding change: c.2875C>T on transcript NM_005612.5 (MANE Select); coding-DNA position 2875, C replaced by T.
Protein change: p.Leu959Phe; replaces leucine 959 with phenylalanine.
Molecular consequence: missense variant.
Genome position (GRCh38, 1-based): chr4:56,931,733, C>T. VCF-style: chr4-56931733-C-T. GRCh37 (hg19) VCF-style: chr4-57797899-C-T.
Other names: c.2875C>T, p.Leu959Phe (NM_001193508.2, NM_001363453.3); short protein forms L959F.
Identifiers: ClinVar variation 2905086 (VCV002905086.3), dbSNP rs2475854668, ClinGen allele CA357009732.